The following is an entry in ClinVar:

NM_000535.7(PMS2):c.1225G>C (p.Gly409Arg)

Gene: PMS2 (PMS1 homolog 2, mismatch repair system component; minus strand). Cytogenetic location: 7p22.1.
Variant type: single nucleotide variant.
Coding change: c.1225G>C on transcript NM_000535.7 (MANE Select); coding-DNA position 1225, G replaced by C.
Protein change: p.Gly409Arg; replaces glycine 409 with arginine.
Molecular consequence: missense variant. On other transcripts: non-coding transcript variant (1).
Genome position (GRCh38, 1-based): chr7:5,987,540, C>G on the plus strand (G>C on the coding strand, the complement: PMS2 is on the minus strand). VCF-style: chr7-5987540-C-G. GRCh37 (hg19) VCF-style: chr7-6027171-C-G.
Other names: c.820G>C, p.Gly274Arg (NM_001322003.2, NM_001322004.2, NM_001322005.2 and 1 more transcripts); c.1069G>C, p.Gly357Arg (NM_001322006.2); c.907G>C, p.Gly303Arg (NM_001322007.2, NM_001322008.2); c.664G>C, p.Gly222Arg (NM_001322010.2); c.292G>C, p.Gly98Arg (NM_001322011.2, NM_001322012.2); c.652G>C, p.Gly218Arg (NM_001322013.2); c.1225G>C, p.Gly409Arg (NM_001322014.2); c.916G>C, p.Gly306Arg (NM_001322015.2); short protein forms G409R, G218R, G222R, G303R, G306R, G274R, G357R, G98R.
Identifiers: ClinVar variation 220502 (VCV000220502.23), dbSNP rs864622553, ClinGen allele CA350571.

ClinVar aggregate classification (germline): Conflicting classifications of pathogenicity. Review status: criteria provided, conflicting classifications (1 of 4 stars). 6 submissions from 6 submitters: Uncertain significance (3); Likely benign (3). Last evaluated 2025-12-14.

Conditions:
Hereditary nonpolyposis colorectal neoplasms. Identifiers: MedGen C0009405, MeSH D003123.
Hereditary cancer-predisposing syndrome. Also called: Hereditary neoplastic syndrome; Tumor predisposition; Hereditary Cancer Syndrome; Neoplastic Syndromes, Hereditary. Identifiers: Orphanet 140162, MedGen C0027672, MeSH D009386, MONDO:0015356.
Lynch syndrome. Identifiers: Orphanet 144, MedGen C4552100, MONDO:0005835. Disease mechanism: loss of function.

Allele frequency attached by ClinVar (database versions not stated): TOPMed below 0.00001; gnomAD 0.00001; gnomAD exomes 0.00001 and 0.00003.
gnomAD v4.1: 39 of 1,613,936 alleles (0.0024%); highest among the groups gnomAD compares: Non-Finnish European, 0.0033%; no homozygotes.

Submissions (6):

Labcorp Genetics (formerly Invitae), Labcorp
Classification: Uncertain significance for Hereditary nonpolyposis colorectal neoplasms. Last evaluated: 2025-12-14. Review status: criteria provided, single submitter. Criteria: Invitae Variant Classification Sherloc (09022015). Collection method: clinical testing. Allele origin: germline.
Comment: This sequence change replaces glycine, which is neutral and non-polar, with arginine, which is basic and polar, at codon 409 of the PMS2 protein (p.Gly409Arg). This variant is present in population databases (no rsID available, gnomAD 0.003%). This variant has not been reported in the literature in individuals affected with PMS2-related conditions. ClinVar contains an entry for this variant (Variation ID: 220502). Invitae Evidence Modeling incorporating data from in vitro experimental studies (internal data) indicates that this missense variant is not expected to disrupt PMS2 function with a negative predictive value of 95%. In summary, the available evidence is currently insufficient to determine the role of this variant in disease. Therefore, it has been classified as a Variant of Uncertain Significance.

Center for Genomic Medicine, Rigshospitalet, Copenhagen University Hospital
Classification: Uncertain significance. Last evaluated: 2025-03-04. Review status: criteria provided, single submitter. Criteria: ACMG Guidelines, 2015. Collection method: clinical testing. Allele origin: germline.

GeneDx
Classification: Uncertain significance. Last evaluated: 2024-10-21. Review status: criteria provided, single submitter. Criteria: GeneDx Variant Classification Process June 2021. Collection method: clinical testing. Allele origin: germline. Affected: yes.
Comment: Not observed at significant frequency in large population cohorts (gnomAD); In silico analysis indicates that this missense variant does not alter protein structure/function; Has not been previously published as pathogenic or benign to our knowledge

Color Diagnostics, LLC DBA Color Health
Classification: Likely benign for Hereditary cancer-predisposing syndrome. Last evaluated: 2024-10-17. Review status: criteria provided, single submitter. Criteria: ACMG Guidelines, 2015. Collection method: clinical testing. Allele origin: germline.

All of Us Research Program, National Institutes of Health
Classification: Likely benign for Lynch syndrome. Last evaluated: 2024-02-28. Review status: criteria provided, single submitter. Criteria: ACMG Guidelines, 2015. Collection method: clinical testing. Allele origin: germline. Inheritance: Autosomal dominant inheritance. Observed: 1 variant allele, 1 heterozygote.
Comment: This study involves interpretation of variants in research participants for the purpose of population health screening. Participant phenotype was not available at the time of variant classification. Additional details can be found in publication PMID: 35346344, PMCID: PMC8962531

Ambry Genetics
Classification: Likely benign for Hereditary cancer-predisposing syndrome. Last evaluated: 2018-06-13. Review status: criteria provided, single submitter. Criteria: Ambry Variant Classification Scheme 2023. Collection method: clinical testing. Allele origin: germline.